The following is an entry in ClinVar:

NM_001844.5(COL2A1):c.3287C>T (p.Pro1096Leu)

Gene: COL2A1 (collagen type II alpha 1 chain; minus strand). Cytogenetic location: 12q13.11.
Variant type: single nucleotide variant.
Coding change: c.3287C>T on transcript NM_001844.5 (MANE Select); coding-DNA position 3287, C replaced by T.
Protein change: p.Pro1096Leu; replaces proline 1096 with leucine.
Molecular consequence: missense variant.
Genome position (GRCh38, 1-based): chr12:47,977,142, G>A on the plus strand (C>T on the coding strand, the complement: COL2A1 is on the minus strand). VCF-style: chr12-47977142-G-A. GRCh37 (hg19) VCF-style: chr12-48370925-G-A.
Other names: c.3080C>T, p.Pro1027Leu (NM_033150.3); short protein forms P1027L, P1096L.
Identifiers: ClinVar variation 1052674 (VCV001052674.12), dbSNP rs377708131, ClinGen allele CA6534800.

ClinVar aggregate classification (germline): Uncertain significance. Review status: criteria provided, multiple submitters, no conflicts (2 of 4 stars). 3 submissions from 3 submitters: Uncertain significance (3). Last evaluated 2024-08-24.

Allele frequency attached by ClinVar (database versions not stated): ExAC 0.00001; TOPMed 0.00002; gnomAD 0.00001; ESP Exome Variant Server 0.00008.
gnomAD v4.1: 22 of 1,610,628 alleles (0.0014%); highest among the groups gnomAD compares: Non-Finnish European, 0.0019%; no homozygotes.

Submissions (3):

Labcorp Genetics (formerly Invitae), Labcorp
Classification: Uncertain significance. Last evaluated: 2024-08-24. Review status: criteria provided, single submitter. Criteria: Invitae Variant Classification Sherloc (09022015). Collection method: clinical testing. Allele origin: germline.
Comment: This sequence change replaces proline, which is neutral and non-polar, with leucine, which is neutral and non-polar, at codon 1096 of the COL2A1 protein (p.Pro1096Leu). The frequency data for this variant in the population databases is considered unreliable, as metrics indicate poor data quality at this position in the gnomAD database. This variant has not been reported in the literature in individuals affected with COL2A1-related conditions. ClinVar contains an entry for this variant (Variation ID: 1052674). Invitae Evidence Modeling of protein sequence and biophysical properties (such as structural, functional, and spatial information, amino acid conservation, physicochemical variation, residue mobility, and thermodynamic stability) indicates that this missense variant is not expected to disrupt COL2A1 protein function with a negative predictive value of 80%. In summary, the available evidence is currently insufficient to determine the role of this variant in disease. Therefore, it has been classified as a Variant of Uncertain Significance.

GeneDx
Classification: Uncertain significance. Last evaluated: 2021-01-20. Review status: criteria provided, single submitter. Criteria: GeneDx Variant Classification Process June 2021. Collection method: clinical testing. Allele origin: germline. Affected: yes.
Comment: Has not been previously published as pathogenic or benign to our knowledge; Not observed at a significant frequency in large population cohorts (Lek et al., 2016); In silico analysis supports that this missense variant has a deleterious effect on protein structure/function; Occurs in the triple helical domain at the X position in the canonical Gly-X-Y repeat; although this variant may have an effect on normal protein folding and function, missense substitution at the X position is not a common mechanism of disease (Stenson et al., 2014)

Blueprint Genetics
Classification: Uncertain significance. Last evaluated: 2020-09-18. Review status: criteria provided, single submitter. Criteria: ACMG Guidelines, 2015. Collection method: clinical testing. Allele origin: germline.